The following is an entry in ClinVar:

NM_001354768.3(NRL):c.175G>T (p.Val59Leu)

Gene: NRL (neural retina leucine zipper; minus strand). Cytogenetic location: 14q11.2.
Variant type: single nucleotide variant.
Coding change: c.175G>T on transcript NM_001354768.3 (MANE Select); coding-DNA position 175, G replaced by T.
Protein change: p.Val59Leu; replaces valine 59 with leucine.
Molecular consequence: missense variant. On other transcripts: intron variant (1).
Genome position (GRCh38, 1-based): chr14:24,082,674, C>A on the plus strand (G>T on the coding strand, the complement: NRL is on the minus strand). VCF-style: chr14-24082674-C-A. GRCh37 (hg19) VCF-style: chr14-24551883-C-A.
Other names: c.175G>T, p.Val59Leu (NM_001354769.1, NM_006177.5); c.66+109G>T (NM_001354770.2); short protein forms V59L.
Identifiers: ClinVar variation 2797511 (VCV002797511.4), dbSNP rs2036352790, ClinGen allele CA389281296.

ClinVar aggregate classification (germline): Uncertain significance. Review status: criteria provided, multiple submitters, no conflicts (2 of 4 stars). 2 submissions from 2 submitters: Uncertain significance (2). Last evaluated 2024-01-10.

Allele frequency attached by ClinVar (database versions not stated): TOPMed below 0.00001; gnomAD 0.00001.

Submissions (2):

Labcorp Genetics (formerly Invitae), Labcorp
Classification: Uncertain significance. Last evaluated: 2024-01-10. Review status: criteria provided, single submitter. Criteria: Invitae Variant Classification Sherloc (09022015). Collection method: clinical testing. Allele origin: germline.
Comment: This sequence change replaces valine, which is neutral and non-polar, with leucine, which is neutral and non-polar, at codon 59 of the NRL protein (p.Val59Leu). This variant is not present in population databases (gnomAD no frequency). This variant has not been reported in the literature in individuals affected with NRL-related conditions. Algorithms developed to predict the effect of missense changes on protein structure and function output the following: SIFT: "Not Available"; PolyPhen-2: "Benign"; Align-GVGD: "Not Available". The leucine amino acid residue is found in multiple mammalian species, which suggests that this missense change does not adversely affect protein function. In summary, the available evidence is currently insufficient to determine the role of this variant in disease. Therefore, it has been classified as a Variant of Uncertain Significance.

Blueprint Genetics
Classification: Uncertain significance. Last evaluated: 2019-06-30. Review status: criteria provided, single submitter. Criteria: ACMG Guidelines, 2015. Collection method: clinical testing. Allele origin: germline.